The following is an entry in ClinVar:

ClinVar aggregate classification (germline): Benign (1 of 4 stars; one submission).

Allele frequency attached by ClinVar (database versions not stated): gnomAD 0.00296 and 0.00303; 1000 Genomes Project 0.00459; TOPMed 0.00490; 1000 Genomes Project 30x 0.00562.

Submission:

GeneDx
Classification: Benign. Last evaluated: 2014-07-09. Review status: criteria provided, single submitter. Criteria: GeneDx Variant Classification (06012015). Collection method: clinical testing. Allele origin: germline. Affected: yes.
Comment: This variant is considered likely benign or benign based on one or more of the following criteria: it is a conservative change, it occurs at a poorly conserved position in the protein, it is predicted to be benign by multiple in silico algorithms, and/or has population frequency not consistent with disease.

NM_004982.4(KCNJ8):c.-77G>A

Genes: KCNJ8 (potassium inwardly rectifying channel subfamily J member 8; minus strand), KCNJ8-AS1 (KCNJ8 antisense RNA 1; plus strand). Cytogenetic location: 12p12.1.
Variant type: single nucleotide variant.
Coding change: c.-77G>A on transcript NM_004982.4 (MANE Select); 77 bases upstream of the start codon, G replaced by A.
Molecular consequence: 5 prime UTR variant.
Genome position (GRCh38, 1-based): chr12:21,774,552, C>T on the plus strand (G>A on the coding strand, the complement: KCNJ8 is on the minus strand). VCF-style: chr12-21774552-C-T. GRCh37 (hg19) VCF-style: chr12-21927486-C-T.
Identifiers: ClinVar variation 190831 (VCV000190831.1), dbSNP rs191049922, ClinGen allele CA302101.